The following is an entry in ClinVar:

ClinVar aggregate classification (germline): Pathogenic (1 of 4 stars; one submission).

Conditions:
Familial cancer of breast. Also called: Hereditary breast cancer; BREAST CANCER, FAMILIAL; hereditary breast carcinoma. Identifiers: Orphanet 227535, MedGen C0346153, MONDO:0016419, OMIM 114480. Disease mechanism: loss of function.

Submission:

Myriad Genetics, Inc.
Classification: Pathogenic for Familial cancer of breast. Last evaluated: 2023-09-08. Review status: criteria provided, single submitter. Criteria: Myriad Autosomal Dominant, Autosomal Recessive and X-Linked Classification Criteria (2023). Collection method: clinical testing. Allele origin: unknown.
Comment: This variant is considered pathogenic. This variant creates a frameshift predicted to result in premature protein truncation.

NM_024675.4(PALB2):c.1348_1349del (p.Asn450fs)

Gene: PALB2 (partner and localizer of BRCA2; minus strand). Cytogenetic location: 16p12.2.
Variant type: Deletion.
Coding change: c.1348_1349del on transcript NM_024675.4 (MANE Select); coding-DNA positions 1348 to 1349, 2 bases deleted (AA; older notation c.1348_1349delAA).
Protein change: p.Asn450fs; shifts the reading frame from asparagine 450.
Molecular consequence: frameshift variant. On other transcripts: intron variant (3).
Genome position (GRCh38, 1-based): chr16:23,635,197-23,635,198, TT deleted on the plus strand (AA on the coding strand, the reverse complement: PALB2 is on the minus strand); deleting any 2 consecutive bases within chr16:23,635,197-23,635,201 gives the same sequence; the c. name uses the placement nearest the transcript's 3' end. VCF-style (leftmost placement, unchanged base first): chr16-23635196-ATT-A. GRCh37 (hg19) VCF-style: chr16-23646517-ATT-A.
Other names: c.1288_1289del, p.Asn430fs (NM_001407296.1); c.1348_1349del, p.Asn450fs (NM_001407297.1, NM_001407298.1, NM_001407299.1 and 3 more transcripts); c.463_464del, p.Asn155fs (NM_001407304.1, NM_001407305.1, NM_001407306.1 and 5 more transcripts); c.48+5912_48+5913del (NM_001407314.1); c.-104-4729_-104-4728del (NM_001407313.1, NM_001407312.1); short protein forms N155fs, N430fs, N450fs.
Identifiers: ClinVar variation 2674164 (VCV002674164.1), dbSNP rs1597096338, ClinGen allele CA2695197483.